The following is an entry in ClinVar:

NM_001349253.2(SCN11A):c.702A>G (p.Ser234=)

Gene: SCN11A (sodium voltage-gated channel alpha subunit 11; minus strand). Cytogenetic location: 3p22.2.
Variant type: single nucleotide variant.
Coding change: c.702A>G on transcript NM_001349253.2 (MANE Select); coding-DNA position 702, A replaced by G.
Protein change: p.Ser234=; no amino-acid change (serine 234 retained).
Molecular consequence: synonymous variant.
Genome position (GRCh38, 1-based): chr3:38,925,425, T>C on the plus strand (A>G on the coding strand, the complement: SCN11A is on the minus strand). VCF-style: chr3-38925425-T-C. GRCh37 (hg19) VCF-style: chr3-38966916-T-C.
Other names: c.702A>G, p.Ser234= (NM_014139.3).
Identifiers: ClinVar variation 703340 (VCV000703340.10), dbSNP rs774523135, ClinGen allele CA2322548.

ClinVar aggregate classification (germline): Likely benign. Review status: criteria provided, multiple submitters, no conflicts (2 of 4 stars). 2 submissions from 2 submitters: Likely benign (2). Last evaluated 2026-06-16.

Conditions:
Familial episodic pain syndrome with predominantly lower limb involvement. Also called: Episodic pain syndrome, familial, 3. Identifiers: Orphanet 391384, Orphanet 391392, MedGen C3809899, MONDO:0014247, OMIM 615552.
Hereditary sensory and autonomic neuropathy type 7. Also called: HSAN VII; Neuropathy, hereditary sensory and autonomic, type VII. Identifiers: Orphanet 391397, MedGen C3809882, MONDO:0014244, OMIM 615548.
SCN11A-related disorder. Also called: SCN11A-related condition.

Allele frequency attached by ClinVar (database versions not stated): TOPMed 0.00005; ExAC 0.00007.
gnomAD v4.1: 31 of 1,608,486 alleles (0.0019%); highest among the groups gnomAD compares: Admixed American, 0.052%; no homozygotes.

Submissions (2):

PreventionGenetics, part of Exact Sciences
Classification: Likely benign for SCN11A-related condition. Last evaluated: 2026-06-16. Review status: criteria provided, single submitter. Criteria: ACMG Guidelines, 2015. Collection method: clinical testing. Allele origin: germline.
Comment: This variant is classified as likely benign based on ACMG/AMP sequence variant interpretation guidelines (Richards et al. 2015 PMID: 25741868, with internal and published modifications).

Labcorp Genetics (formerly Invitae), Labcorp
Classification: Likely benign for Familial episodic pain syndrome with predominantly lower limb involvement; Hereditary sensory and autonomic neuropathy type 7. Last evaluated: 2024-02-05. Review status: criteria provided, single submitter. Criteria: Invitae Variant Classification Sherloc (09022015). Collection method: clinical testing. Allele origin: germline.